The following is an entry in ClinVar:

NM_003172.4(SURF1):c.827T>C (p.Val276Ala)

Gene: SURF1 (SURF1 cytochrome c oxidase assembly factor; minus strand). Cytogenetic location: 9q34.2.
Variant type: single nucleotide variant.
Coding change: c.827T>C on transcript NM_003172.4 (MANE Select); coding-DNA position 827, T replaced by C.
Protein change: p.Val276Ala; replaces valine 276 with alanine.
Molecular consequence: missense variant.
Genome position (GRCh38, 1-based): chr9:133,352,067, A>G on the plus strand (T>C on the coding strand, the complement: SURF1 is on the minus strand). VCF-style: chr9-133352067-A-G. GRCh37 (hg19) VCF-style: chr9-136218922-A-G.
Other names: c.500T>C, p.Val167Ala (NM_001280787.1); short protein forms V167A, V276A.
Identifiers: ClinVar variation 2126957 (VCV002126957.4), dbSNP rs1836429651, ClinGen allele CA375693438.

ClinVar aggregate classification (germline): Uncertain significance (1 of 4 stars; one submission).

Conditions:
Leigh syndrome (NULS). Also called: Leigh's necrotizing encephalopathy; Leigh's disease; Leigh Syndrome (mtDNA deletion); LEIGH SYNDROME, NUCLEAR; Leigh's syndrome; Leigh Disease. Identifiers: Orphanet 506, MedGen C2931891, MONDO:0009723, OMIM 256000.

Allele frequency attached by ClinVar (database versions not stated): TOPMed below 0.00001.

Submission:

Labcorp Genetics (formerly Invitae), Labcorp
Classification: Uncertain significance for Leigh syndrome. Last evaluated: 2022-04-16. Review status: criteria provided, single submitter. Criteria: Invitae Variant Classification Sherloc (09022015). Collection method: clinical testing. Allele origin: germline.
Comment: In summary, the available evidence is currently insufficient to determine the role of this variant in disease. Therefore, it has been classified as a Variant of Uncertain Significance. Algorithms developed to predict the effect of missense changes on protein structure and function are either unavailable or do not agree on the potential impact of this missense change (SIFT: "Deleterious"; PolyPhen-2: "Benign"; Align-GVGD: "Class C0"). This variant has not been reported in the literature in individuals affected with SURF1-related conditions. This variant is not present in population databases (gnomAD no frequency). This sequence change replaces valine, which is neutral and non-polar, with alanine, which is neutral and non-polar, at codon 276 of the SURF1 protein (p.Val276Ala).